The following is an entry in ClinVar:

NM_001077365.2(POMT1):c.1698+1G>A

Gene: POMT1 (protein O-mannosyltransferase 1; plus strand). Cytogenetic location: 9q34.13.
Variant type: single nucleotide variant.
Coding change: c.1698+1G>A on transcript NM_001077365.2 (MANE Select); the canonical splice donor site of the intron after coding-DNA position 1698, G replaced by A.
Molecular consequence: splice donor variant.
Genome position (GRCh38, 1-based): chr9:131,520,194, G>A. VCF-style: chr9-131520194-G-A. GRCh37 (hg19) VCF-style: chr9-134395581-G-A.
Other names: c.1602+1G>A (NM_001353198.2, NM_001353197.2); c.1764+1G>A (NM_001353193.2, NM_007171.4); c.1698+1G>A (NM_001136113.2); c.1536+1G>A (NM_001353194.2, NM_001077366.2); c.1347+1G>A (NM_001374691.1, NM_001353195.2, NM_001374692.1 and 2 more transcripts); c.1479+1G>A (NM_001374690.1); c.1608+1G>A (NM_001353196.2); c.1308+1G>A (NM_001374695.1); and 4 more.
Identifiers: ClinVar variation 631540 (VCV000631540.20), dbSNP rs763586263, ClinGen allele CA5293772.

ClinVar aggregate classification (germline): Pathogenic/Likely pathogenic. Review status: criteria provided, multiple submitters, no conflicts (2 of 4 stars). 5 submissions from 5 submitters: Pathogenic (2); Likely pathogenic (3). Last evaluated 2025-10-19.

Conditions:
Autosomal recessive limb-girdle muscular dystrophy. Identifiers: Orphanet 102015, MedGen C2931907, MONDO:0015152.
Muscular dystrophy-dystroglycanopathy (congenital with brain and eye anomalies), type A1 (MDDGA1). Also called: COD-MD SYNDROME; Muscular dystrophy-dystroglycanopathy (congenital with brain and eye anomalies), type A, 1; WALKER-WARBURG SYNDROME OR MUSCLE-EYE-BRAIN DISEASE, POMT1-RELATED; Hydrocephalus, agyria and retinal dysplasia; Hard +/- E syndrome; Warburg syndrome. Identifiers: Orphanet 588, Orphanet 899, MedGen C4284790, MONDO:0009364, OMIM 236670.
Muscular dystrophy-dystroglycanopathy (congenital with impaired intellectual development), type B, 1. Also called: Muscular dystrophy-dystroglycanopathy (congenital with intellectual disability), type B1; MUSCULAR DYSTROPHY, CONGENITAL, POMT1-RELATED. Identifiers: MedGen C5436962, MONDO:0013159, OMIM 613155.
Autosomal recessive limb-girdle muscular dystrophy type 2K. Also called: MUSCULAR DYSTROPHY-DYSTROGLYCANOPATHY (LIMB-GIRDLE), TYPE C, 1; MUSCULAR DYSTROPHY, LIMB-GIRDLE, TYPE 2K. Identifiers: Orphanet 86812, MedGen C1836373, MONDO:0012248, OMIM 609308.
Walker-Warburg congenital muscular dystrophy. Also called: Muscular dystrophy-dystroglycanopathy, type A; Walker-Warburg syndrome. Identifiers: Orphanet 899, MedGen C0265221, MONDO:0000171.

Allele frequency attached by ClinVar (database versions not stated): gnomAD exomes 0.00001 and 0.00003; TOPMed 0.00003; gnomAD 0.00002; ExAC 0.00001.

Submissions (5):

Labcorp Genetics (formerly Invitae), Labcorp
Classification: Pathogenic for Muscular dystrophy-dystroglycanopathy (congenital with impaired intellectual development), type B, 1; Walker-Warburg congenital muscular dystrophy; Autosomal recessive limb-girdle muscular dystrophy type 2K. Last evaluated: 2025-10-19. Review status: criteria provided, single submitter. Criteria: Invitae Variant Classification Sherloc (09022015). Collection method: clinical testing. Allele origin: germline.
Comment: This sequence change affects a donor splice site in intron 17 of the POMT1 gene. It is expected to disrupt RNA splicing. Variants that disrupt the donor or acceptor splice site typically lead to a loss of protein function (PMID: 16199547), and loss-of-function variants in POMT1 are known to be pathogenic (PMID: 12369018, 15637732, 16575835). This variant is present in population databases (rs763586263, gnomAD 0.003%). Disruption of this splice site has been observed in individual(s) with clinical features of Walker-Warburg syndrome (PMID: 17559086, 22323514). In at least one individual the data is consistent with being in trans (on the opposite chromosome) from a pathogenic variant. ClinVar contains an entry for this variant (Variation ID: 631540). Algorithms developed to predict the effect of sequence changes on RNA splicing suggest that this variant may disrupt the consensus splice site. For these reasons, this variant has been classified as Pathogenic.

Baylor Genetics
Classification: Likely pathogenic for Muscular dystrophy-dystroglycanopathy (congenital with brain and eye anomalies), type A1. Last evaluated: 2024-03-27. Review status: criteria provided, single submitter. Criteria: ACMG Guidelines, 2015. Collection method: clinical testing. Allele origin: unknown.

Revvity Omics, Revvity
Classification: Pathogenic. Last evaluated: 2023-03-28. Review status: criteria provided, single submitter. Criteria: ACMG Guidelines, 2015. Collection method: clinical testing. Allele origin: germline.

Women's Health and Genetics/Laboratory Corporation of America, LabCorp
Classification: Likely pathogenic for Autosomal recessive limb-girdle muscular dystrophy. Last evaluated: 2022-11-16. Review status: criteria provided, single submitter. Criteria: LabCorp Variant Classification Summary - May 2015. Collection method: clinical testing. Allele origin: germline.
Comment: Variant summary: POMT1 c.1764+1G>A is located in a canonical splice-site and is predicted to affect mRNA splicing resulting in a significantly altered protein due to either exon skipping, shortening, or inclusion of intronic material. Several computational tools predict a significant impact on normal splicing: four predict the variant abolishes a 5' splicing donor site. At least one publication reports experimental evidence that this variant affects mRNA splicing, demonstrating in a patient derived sample that the variant resulted in an in-frame skipping of exon 17 (Bouchet_2007), with a predicted protein level effect of p.Trp551_Ser588del, which would affect the C-terminal four TM domain (amino acids 542-740; IPR032421) of the protein. The variant allele was found at a frequency of 8e-06 in 250470 control chromosomes (gnomAD). The variant, c.1764+1G>A, has been reported in the literature in compound heterozygous state in a fetus affected with cobblestone lissencephaly (Bouchet_2007, Devisme_2012). Four submitters have provided clinical-significance assessments for this variant in ClinVar after 2014, and classified the variant as pathogenic (n=1), likely pathogenic (n=2), or unknown significance but suspicious for pathogenicity (n=1). Based on the evidence outlined above, the variant was classified as likely pathogenic.

GeneDx
Classification: Likely pathogenic. Last evaluated: 2022-08-09. Review status: criteria provided, single submitter. Criteria: GeneDx Variant Classification Process June 2021. Collection method: clinical testing. Allele origin: germline. Affected: yes.
Comment: Reported previously with another variant in POMT1 (phase unknown) in a fetus with type II lissencephaly, retinal dysplasia, and limb/visceral malformations in published literature; however, no segregation information was provided (Bouchet et al., 2007; Devisme et al., 2012); Canonical splice site variant expected to result in aberrant splicing, with RNA studies performed in a fetus with this variant demonstrating a transcript without exon 17 (Bouchet et al., 2007); Deletions involving coding exons of this gene are a known mechanism of disease (HGMD); Not observed at significant frequency in large population cohorts (gnomAD); This variant is associated with the following publications: (PMID: 25525159, 16575835, 15637732, 12369018, 22549409, 22323514, 17559086)

Literature cited by the submitters: PubMed 16199547 (cited by Labcorp Genetics (formerly Invitae), Labcorp); PubMed 12369018 (cited by Labcorp Genetics (formerly Invitae), Labcorp); PubMed 15637732 (cited by Labcorp Genetics (formerly Invitae), Labcorp); PubMed 16575835 (cited by Labcorp Genetics (formerly Invitae), Labcorp); PubMed 17559086 (cited by Labcorp Genetics (formerly Invitae), Labcorp and Women's Health and Genetics/Laboratory Corporation of America, LabCorp); PubMed 22323514 (cited by Labcorp Genetics (formerly Invitae), Labcorp and Women's Health and Genetics/Laboratory Corporation of America, LabCorp); PubMed 31311558 (cited by Women's Health and Genetics/Laboratory Corporation of America, LabCorp).